The following is an entry in ClinVar:

NM_014727.3(KMT2B):c.2422CAG[4] (p.Gln812del)

Gene: KMT2B (lysine methyltransferase 2B; plus strand). Cytogenetic location: 19q13.12.
Variant type: Microsatellite.
Coding change: c.2422CAG[4] on transcript NM_014727.3 (MANE Select); four copies in a row of the 3-base unit CAG starting at c.2422; the reference has five copies in a row; one copy, 3 bases deleted.
Protein change: p.Gln812del; deletes glutamine 812.
Molecular consequence: inframe deletion.
Genome position (GRCh38, 1-based): chr19:35,721,781-35,721,783, CAG deleted; deleting any 3 consecutive bases within chr19:35,721,769-35,721,783 gives the same sequence; the position shown is the placement nearest the transcript's 3' end. VCF-style (leftmost placement, unchanged base first): chr19-35721768-TCAG-T. GRCh37 (hg19) VCF-style: chr19-36212670-TCAG-T.
Other names: short protein forms Q812del.
Identifiers: ClinVar variation 3234364 (VCV003234364.20), dbSNP rs750525059, ClinGen allele CA9384432.
Genomic context (GRCh38, chr19:35,721,768, plus strand): 5'-GGTAGAGGAGAAGATGTTCAGCCTCCTCAAGAGAGCCAAAGTGCAGCTATTCAAGATCGA[TCAG>T]CAGCAGCAGCAGAAGGTGGCAGCTTCCATGCCGGTGAGTGTGGTCCCTGGGCCCAGCGGC-3'

ClinVar aggregate classification (germline): Likely benign (1 of 4 stars; one submission).

Submission:

CeGaT Center for Human Genetics Tuebingen
Classification: Likely benign. Last evaluated: 2024-04-01. Review status: criteria provided, single submitter. Criteria: CeGaT Center For Human Genetics Tuebingen Variant Classification Criteria Version 2. Collection method: clinical testing. Allele origin: germline. Affected: yes. Observed: 1 variant allele.
Comment: KMT2B: PM4:Supporting, BS2